The following is an entry in ClinVar:

ClinVar aggregate classification (germline): Uncertain significance (1 of 4 stars; one submission).

Conditions:
Hereditary breast ovarian cancer syndrome. Also called: Hereditary breast and/or ovarian cancer syndrome; Hereditary breast and ovarian cancer; Hereditary breast and ovarian cancer syndrome; Breast and ovarian cancer; Hereditary breast and ovarian cancer syndrome (HBOC); BRCA1- and BRCA2-Associated Hereditary Breast and Ovarian Cancer. Identifiers: Orphanet 145, MedGen C0677776, MeSH D061325, MONDO:0003582. Disease mechanism: loss of function.

Submission:

Labcorp Genetics (formerly Invitae), Labcorp
Classification: Uncertain significance for Hereditary breast ovarian cancer syndrome. Last evaluated: 2023-01-09. Review status: criteria provided, single submitter. Criteria: Invitae Variant Classification Sherloc (09022015). Collection method: clinical testing. Allele origin: germline.
Comment: In summary, the available evidence is currently insufficient to determine the role of this variant in disease. Therefore, it has been classified as a Variant of Uncertain Significance. Advanced modeling of protein sequence and biophysical properties (such as structural, functional, and spatial information, amino acid conservation, physicochemical variation, residue mobility, and thermodynamic stability) performed at Invitae indicates that this missense variant is not expected to disrupt BRCA2 protein function. This variant has not been reported in the literature in individuals affected with BRCA2-related conditions. This variant is not present in population databases (gnomAD no frequency). This sequence change replaces valine, which is neutral and non-polar, with alanine, which is neutral and non-polar, at codon 2739 of the BRCA2 protein (p.Val2739Ala).

NM_000059.4(BRCA2):c.8216T>C (p.Val2739Ala)

Gene: BRCA2 (BRCA2 DNA repair associated; plus strand). Cytogenetic location: 13q13.1.
Variant type: single nucleotide variant.
Coding change: c.8216T>C on transcript NM_000059.4 (MANE Select); coding-DNA position 8216, T replaced by C.
Protein change: p.Val2739Ala; replaces valine 2739 with alanine.
Molecular consequence: missense variant. On other transcripts: non-coding transcript variant (1).
Genome position (GRCh38, 1-based): chr13:32,363,418, T>C. VCF-style: chr13-32363418-T-C. GRCh37 (hg19) VCF-style: chr13-32937555-T-C.
Other names: c.8120T>C, p.Val2707Ala (NM_001406719.1); c.8216T>C, p.Val2739Ala (NM_001406720.1); c.3284T>C, p.Val1095Ala (NM_001406721.1); c.1799T>C, p.Val600Ala (NM_001406722.1); short protein forms V2739A, V2707A, V600A, V1095A.
Identifiers: ClinVar variation 2827346 (VCV002827346.3), dbSNP rs2137581902, ClinGen allele CA387749801.
Genomic context (GRCh38, chr13:32,363,418, plus strand): 5'-TTGAACTTACAGATGGGTGGTATGCTGTTAAGGCCCAGTTAGATCCTCCCCTCTTAGCTG[T>C]CTTAAAGAATGGCAGACTGACAGTTGGTCAGAAGATTATTCTTCATGGAGCAGAACTGGT-3'
Protein context (NP_000050.3, residues 2729-2749): KAQLDPPLLA[Val2739Ala]LKNGRLTVGQ